The following is an entry in ClinVar:

NM_000079.4(CHRNA1):c.989A>G (p.Asn330Ser)

Gene: CHRNA1 (cholinergic receptor nicotinic alpha 1 subunit; minus strand). Cytogenetic location: 2q31.1.
Variant type: single nucleotide variant.
Coding change: c.989A>G on transcript NM_000079.4 (MANE Select); coding-DNA position 989, A replaced by G.
Protein change: p.Asn330Ser; replaces asparagine 330 with serine.
Molecular consequence: missense variant.
Genome position (GRCh38, 1-based): chr2:174,749,959, T>C on the plus strand (A>G on the coding strand, the complement: CHRNA1 is on the minus strand). VCF-style: chr2-174749959-T-C. GRCh37 (hg19) VCF-style: chr2-175614687-T-C.
Other names: c.1064A>G, p.Asn355Ser (NM_001039523.3); short protein forms N330S, N355S.
Identifiers: ClinVar variation 2417040 (VCV002417040.6), dbSNP rs765124080, ClinGen allele CA1974415.

ClinVar aggregate classification (germline): Uncertain significance (1 of 4 stars; one submission).

Conditions:
Lethal multiple pterygium syndrome (LMPS). Identifiers: Orphanet 33108, MedGen C1854678, MONDO:0009668, OMIM 253290.

Allele frequency attached by ClinVar (database versions not stated): gnomAD 0.00001; gnomAD exomes 0.00001; TOPMed 0.00001; ExAC 0.00002.
gnomAD v4.1: 16 of 1,613,826 alleles (0.00099%); highest among the groups gnomAD compares: Non-Finnish European, 0.0012%; no homozygotes.

Submission:

Labcorp Genetics (formerly Invitae), Labcorp
Classification: Uncertain significance for Lethal multiple pterygium syndrome. Last evaluated: 2023-12-11. Review status: criteria provided, single submitter. Criteria: Invitae Variant Classification Sherloc (09022015). Collection method: clinical testing. Allele origin: germline.
Comment: This sequence change replaces asparagine, which is neutral and polar, with serine, which is neutral and polar, at codon 330 of the CHRNA1 protein (p.Asn330Ser). This variant is present in population databases (rs765124080, gnomAD 0.003%). This variant has not been reported in the literature in individuals affected with CHRNA1-related conditions. ClinVar contains an entry for this variant (Variation ID: 2417040). Advanced modeling of protein sequence and biophysical properties (such as structural, functional, and spatial information, amino acid conservation, physicochemical variation, residue mobility, and thermodynamic stability) performed at Invitae indicates that this missense variant is not expected to disrupt CHRNA1 protein function with a negative predictive value of 80%. In summary, the available evidence is currently insufficient to determine the role of this variant in disease. Therefore, it has been classified as a Variant of Uncertain Significance.